The following is an entry in ClinVar:

NM_024675.4(PALB2):c.614A>T (p.Glu205Val)

Gene: PALB2 (partner and localizer of BRCA2; minus strand). Cytogenetic location: 16p12.2.
Variant type: single nucleotide variant.
Coding change: c.614A>T on transcript NM_024675.4 (MANE Select); coding-DNA position 614, A replaced by T.
Protein change: p.Glu205Val; replaces glutamic acid 205 with valine.
Molecular consequence: missense variant. On other transcripts: 5 prime UTR variant (8), intron variant (3).
Genome position (GRCh38, 1-based): chr16:23,635,932, T>A on the plus strand (A>T on the coding strand, the complement: PALB2 is on the minus strand). VCF-style: chr16-23635932-T-A. GRCh37 (hg19) VCF-style: chr16-23647253-T-A.
Other names: c.614A>T, p.Glu205Val (NM_001407300.1, NM_001407297.1, NM_001407298.1 and 3 more transcripts); c.554A>T, p.Glu185Val (NM_001407296.1); c.-272A>T (NM_001407304.1, NM_001407305.1, NM_001407306.1 and 5 more transcripts); c.48+5178A>T (NM_001407314.1); c.-105+5178A>T (NM_001407313.1, NM_001407312.1); short protein forms E185V, E205V.
Identifiers: ClinVar variation 4130311 (VCV004130311.1).

ClinVar aggregate classification (germline): Uncertain significance (1 of 4 stars; one submission).

Conditions:
Hereditary cancer-predisposing syndrome. Also called: Hereditary neoplastic syndrome; Neoplastic Syndromes, Hereditary; Tumor predisposition; Hereditary Cancer Syndrome. Identifiers: Orphanet 140162, MedGen C0027672, MeSH D009386, MONDO:0015356.

Submission:

Ambry Genetics
Classification: Uncertain significance for Hereditary cancer-predisposing syndrome. Last evaluated: 2025-06-15. Review status: criteria provided, single submitter. Criteria: Ambry Variant Classification Scheme 2023. Collection method: clinical testing. Allele origin: germline.
Comment: The p.E205V variant (also known as c.614A>T), located in coding exon 4 of the PALB2 gene, results from an A to T substitution at nucleotide position 614. The glutamic acid at codon 205 is replaced by valine, an amino acid with dissimilar properties. This amino acid position is conserved. In addition, this alteration is predicted to be tolerated by in silico analysis. Based on the available evidence, the clinical significance of this variant remains unclear.